The following is an entry in ClinVar:

ClinVar aggregate classification (germline): Uncertain significance. Review status: criteria provided, multiple submitters, no conflicts (2 of 4 stars). 5 submissions from 5 submitters: Uncertain significance (4). 1 of the submissions does not count toward it. Last evaluated 2025-11-24.

Conditions:
Epidermolysis bullosa simplex 5B, with muscular dystrophy (EBS5B). Also called: EPIDERMOLYSIS BULLOSA SIMPLEX AND LIMB-GIRDLE MUSCULAR DYSTROPHY; Epidermolysis bullosa simplex with muscular dystrophy. Identifiers: Orphanet 257, MedGen C2931072, MONDO:0009181, OMIM 226670.
Epidermolysis bullosa simplex, Ogna type (EBS5A). Also called: EPIDERMOLYSIS BULLOSA SIMPLEX 5A, OGNA TYPE; Pidermolysis bullosa simplex 5A, Ogna type. Identifiers: Orphanet 79401, MedGen C0432317, MONDO:0007555, OMIM 131950.
Epidermolysis bullosa simplex 5C, with pyloric atresia (EBS5C). Also called: PLEC1-Related Epidermolysis Bullosa with Pyloric Atresia; PLEC-Related Epidermolysis Bullosa with Pyloric Atresia; Epidermolysis bullosa simplex with pyloric atresia. Identifiers: Orphanet 158684, MedGen C2677349, MONDO:0012807, OMIM 612138.
Epidermolysis bullosa simplex with nail dystrophy (EBS5D). Identifiers: MedGen C4225309, MONDO:0014661, OMIM 616487.
Autosomal recessive limb-girdle muscular dystrophy type 2Q (LGMDR17). Also called: MUSCULAR DYSTROPHY, LIMB-GIRDLE, AUTOSOMAL RECESSIVE 17. Identifiers: Orphanet 254361, MedGen C3150989, MONDO:0013390, OMIM 613723.

Allele frequency attached by ClinVar (database versions not stated): gnomAD 0.00011 and 0.00013; TOPMed 0.00011; gnomAD exomes 0.00014; ESP Exome Variant Server 0.00016; ExAC 0.00024.
gnomAD v4.1: 419 of 1,606,508 alleles (0.026%); highest among the groups gnomAD compares: South Asian, 0.051%; no homozygotes.

Submissions (5):

Labcorp Genetics (formerly Invitae), Labcorp
Classification: Uncertain significance for Autosomal recessive limb-girdle muscular dystrophy type 2Q; Epidermolysis bullosa simplex, Ogna type; Epidermolysis bullosa simplex with nail dystrophy; Epidermolysis bullosa simplex 5C, with pyloric atresia; Epidermolysis bullosa simplex 5B, with muscular dystrophy. Last evaluated: 2025-11-24. Review status: criteria provided, single submitter. Criteria: Invitae Variant Classification Sherloc (09022015). Collection method: clinical testing. Allele origin: germline.
Comment: This sequence change replaces alanine, which is neutral and non-polar, with valine, which is neutral and non-polar, at codon 749 of the PLEC protein (p.Ala749Val). This variant is present in population databases (rs375178454, gnomAD 0.05%). This variant has not been reported in the literature in individuals affected with PLEC-related conditions. ClinVar contains an entry for this variant (Variation ID: 448056). Invitae Evidence Modeling of protein sequence and biophysical properties (such as structural, functional, and spatial information, amino acid conservation, physicochemical variation, residue mobility, and thermodynamic stability) indicates that this missense variant is not expected to disrupt PLEC protein function with a negative predictive value of 80%. In summary, the available evidence is currently insufficient to determine the role of this variant in disease. Therefore, it has been classified as a Variant of Uncertain Significance.

Revvity Omics, Revvity
Classification: Uncertain significance. Last evaluated: 2025-05-19. Review status: criteria provided, single submitter. Criteria: ACMG Guidelines, 2015. Collection method: clinical testing. Allele origin: germline.

Eurofins Ntd Llc (ga)
Classification: Uncertain significance. Last evaluated: 2017-01-13. Review status: criteria provided, single submitter. Criteria: EGL Classification Definitions 2015. Collection method: clinical testing. Allele origin: germline. Observed: 3 variant alleles, 3 heterozygotes.

Athena Diagnostics
Classification: Uncertain significance. Last evaluated: 2016-12-07. Review status: criteria provided, single submitter. Criteria: Athena Diagnostics Criteria. Collection method: clinical testing. Allele origin: germline.

Department of Pathology and Laboratory Medicine, Sinai Health System
Classification: Uncertain significance. Review status: no assertion criteria provided. Collection method: clinical testing. Allele origin: unknown. Affected: yes. Study: The Canadian Open Genetics Repository (COGR). Not counted in ClinVar's aggregate classification.
Comment: The PLEC p.Ala726Val variant was not identified in the literature but was identified in dbSNP (ID: rs375178454) and ClinVar (classified as uncertain significance by Invitae, Athena Diagnostics and EGL Genetics). The variant was identified in control databases in 37 of 269810 chromosomes at a frequency of 0.0001371 (Genome Aggregation Database March 6, 2019, v2.1.1). The variant was observed in the following populations: South Asian in 15 of 29324 chromosomes (freq: 0.000512), Other in 1 of 6934 chromosomes (freq: 0.000144), African in 3 of 22530 chromosomes (freq: 0.000133), Latino in 4 of 34664 chromosomes (freq: 0.000115) and European (non-Finnish) in 14 of 122834 chromosomes (freq: 0.000114), but was not observed in the Ashkenazi Jewish, East Asian, or European (Finnish) populations. The p.Ala726 residue is not conserved in mammals and four out of five computational analyses (PolyPhen-2, SIFT, AlignGVGD, BLOSUM, MutationTaster) do not suggest a high likelihood of impact to the protein; however, this information is not predictive enough to rule out pathogenicity. The variant occurs outside of the splicing consensus sequence and in silico or computational prediction software programs (SpliceSiteFinder, MaxEntScan, NNSPLICE, GeneSplicer) do not predict a difference in splicing. In summary, based on the above information the clinical significance of this variant cannot be determined with certainty at this time. This variant is classified as a variant of uncertain significance.

NM_201384.3(PLEC):c.2165C>T (p.Ala722Val)

Gene: PLEC (plectin; minus strand). Cytogenetic location: 8q24.3.
Variant type: single nucleotide variant.
Coding change: c.2165C>T on transcript NM_201384.3 (MANE Select); coding-DNA position 2165, C replaced by T.
Protein change: p.Ala722Val; replaces alanine 722 with valine.
Molecular consequence: missense variant.
Genome position (GRCh38, 1-based): chr8:143,931,950, G>A on the plus strand (C>T on the coding strand, the complement: PLEC is on the minus strand). VCF-style: chr8-143931950-G-A. GRCh37 (hg19) VCF-style: chr8-145006118-G-A.
Other names: c.2177C>T, p.Ala726Val (NM_201383.3); c.2246C>T, p.Ala749Val (NM_000445.5); c.2123C>T, p.Ala708Val (NM_201378.4); c.2099C>T, p.Ala700Val (NM_201379.3); c.2576C>T, p.Ala859Val (NM_201380.4); c.2069C>T, p.Ala690Val (NM_201381.3); c.2165C>T, p.Ala722Val (NM_201382.4); short protein forms A690V, A700V, A708V, A722V, A726V, A749V, A859V.
Identifiers: ClinVar variation 448056 (VCV000448056.16), dbSNP rs375178454, ClinGen allele CA4927635.